The following is an entry in ClinVar:

NM_000059.4(BRCA2):c.5745G>T (p.Thr1915=)

Gene: BRCA2 (BRCA2 DNA repair associated; plus strand). Cytogenetic location: 13q13.1.
Variant type: single nucleotide variant.
Coding change: c.5745G>T on transcript NM_000059.4 (MANE Select); coding-DNA position 5745, G replaced by T.
Protein change: p.Thr1915=; no amino-acid change (threonine 1915 retained).
Molecular consequence: synonymous variant.
Genome position (GRCh38, 1-based): chr13:32,340,100, G>T. VCF-style: chr13-32340100-G-T. GRCh37 (hg19) VCF-style: chr13-32914237-G-T.
Identifiers: ClinVar variation 230884 (VCV000230884.15), dbSNP rs1799953, ClinGen allele CA10579669.

ClinVar aggregate classification (germline): Likely benign. Review status: reviewed by expert panel (3 of 4 stars). 3 submissions from 3 submitters: Likely benign (1). 2 of the submissions do not count toward it. Last evaluated 2017-06-29.

Conditions:
Breast-ovarian cancer, familial, susceptibility to, 2 (BROVCA2). Also called: BRCA2 Hereditary Breast and Ovarian Cancer. Identifiers: Orphanet 145, MedGen C2675520, MONDO:0012933, OMIM 612555. Disease mechanism: loss of function.
Hereditary cancer-predisposing syndrome. Also called: Hereditary Cancer Syndrome; Neoplastic Syndromes, Hereditary; Tumor predisposition; Hereditary neoplastic syndrome. Identifiers: Orphanet 140162, MedGen C0027672, MeSH D009386, MONDO:0015356.
Hereditary breast ovarian cancer syndrome. Also called: Hereditary breast and/or ovarian cancer syndrome; BRCA1- and BRCA2-Associated Hereditary Breast and Ovarian Cancer; Hereditary breast and ovarian cancer syndrome (HBOC); Hereditary breast and ovarian cancer; Hereditary breast and ovarian cancer syndrome; Breast and ovarian cancer. Identifiers: Orphanet 145, MedGen C0677776, MeSH D061325, MONDO:0003582. Disease mechanism: loss of function.

Submissions (3):

Evidence-based Network for the Interpretation of Germline Mutant Alleles (ENIGMA)
Classification: Likely benign for Breast-ovarian cancer, familial, susceptibility to, 2. Last evaluated: 2017-06-29. Review status: reviewed by expert panel. Criteria: ENIGMA BRCA1/2 Classification Criteria (2017-06-29). Collection method: curation. Allele origin: germline.
Comment: Synonymous substitution variant, with low bioinformatic likelihood to result in a splicing aberration (Splicing prior probability 0.02).

Labcorp Genetics (formerly Invitae), Labcorp
Classification: Likely benign for Hereditary breast ovarian cancer syndrome. Last evaluated: 2021-11-23. Review status: criteria provided, single submitter. Criteria: Invitae Variant Classification Sherloc (09022015). Collection method: clinical testing. Allele origin: germline. Not counted in ClinVar's aggregate classification.

Ambry Genetics
Classification: Likely benign for Hereditary cancer-predisposing syndrome. Last evaluated: 2015-03-16. Review status: criteria provided, single submitter. Criteria: Ambry Variant Classification Scheme 2023. Collection method: clinical testing. Allele origin: germline. Not counted in ClinVar's aggregate classification.